The following is an entry in ClinVar:

ClinVar aggregate classification (germline): Benign. Review status: criteria provided, single submitter (1 of 4 stars). 2 submissions from 2 submitters: Benign (1). 1 of the submissions does not count toward it. Last evaluated 2024-10-12.

Conditions:
ACTN1-related disorder. Also called: ACTN1-related condition.

Allele frequency attached by ClinVar (database versions not stated): TOPMed below 0.00001; gnomAD 0.00003; gnomAD exomes 0.00004; ExAC 0.00008.
gnomAD v4.1: 62 of 1,612,420 alleles (0.0038%); highest among the groups gnomAD compares: South Asian, 0.013%; 1 homozygote.

Submissions (2):

Labcorp Genetics (formerly Invitae), Labcorp
Classification: Benign. Last evaluated: 2024-10-12. Review status: criteria provided, single submitter. Criteria: Invitae Variant Classification Sherloc (09022015). Collection method: clinical testing. Allele origin: germline.

PreventionGenetics, part of Exact Sciences
Classification: Likely benign for ACTN1-related condition. Last evaluated: 2019-09-10. Review status: no assertion criteria provided. Collection method: clinical testing. Allele origin: germline. Not counted in ClinVar's aggregate classification.
Comment: This variant is classified as likely benign based on ACMG/AMP sequence variant interpretation guidelines (Richards et al. 2015 PMID: 25741868, with internal and published modifications).

NM_001130004.2(ACTN1):c.2670C>T (p.Thr890=)

Gene: ACTN1 (actinin alpha 1; minus strand). Cytogenetic location: 14q24.1.
Variant type: single nucleotide variant.
Coding change: c.2670C>T on transcript NM_001130004.2 (MANE Select); coding-DNA position 2670, C replaced by T.
Protein change: p.Thr890=; no amino-acid change (threonine 890 retained).
Molecular consequence: synonymous variant.
Genome position (GRCh38, 1-based): chr14:68,874,934, G>A on the plus strand (C>T on the coding strand, the complement: ACTN1 is on the minus strand). VCF-style: chr14-68874934-G-A. GRCh37 (hg19) VCF-style: chr14-69341651-G-A.
Other names: c.2604C>T, p.Thr868= (NM_001102.4); c.2589C>T, p.Thr863= (NM_001130005.2); c.2613C>T, p.Thr871= (NM_001411035.1); c.2409C>T, p.Thr803= (NM_001411036.1, NM_001424026.1); c.2733C>T, p.Thr911= (NM_001424012.1); c.2730C>T, p.Thr910= (NM_001424013.1); c.2718C>T, p.Thr906= (NM_001424014.1); c.2691C>T, p.Thr897= (NM_001424015.1); and 14 more.
Identifiers: ClinVar variation 3040697 (VCV003040697.4), dbSNP rs763066535, ClinGen allele CA7241879.